The following is an entry in ClinVar:

ClinVar aggregate classification (germline): Uncertain significance. Review status: criteria provided, multiple submitters, no conflicts (2 of 4 stars). 3 submissions from 3 submitters: Uncertain significance (3). Last evaluated 2025-12-26.

Conditions:
Cardiovascular phenotype. Identifiers: MedGen CN230736.
Progressive familial heart block type IB (PFHB1B). Identifiers: Orphanet 871, MedGen C1970298, MONDO:0011474, OMIM 604559.
Erythrokeratodermia variabilis et progressiva 6. Identifiers: MedGen C5193144, MONDO:0032801, OMIM 618531.

Allele frequency attached by ClinVar (database versions not stated): ExAC 0.00001; gnomAD 0.00001 and 0.00002; gnomAD exomes 0.00002; TOPMed 0.00002.
gnomAD v4.1: 34 of 1,613,660 alleles (0.0021%); highest among the groups gnomAD compares: Admixed American, 0.0033%; no homozygotes.

Submissions (3):

Labcorp Genetics (formerly Invitae), Labcorp
Classification: Uncertain significance for Progressive familial heart block type IB. Last evaluated: 2025-12-26. Review status: criteria provided, single submitter. Criteria: Invitae Variant Classification Sherloc (09022015). Collection method: clinical testing. Allele origin: germline.
Comment: This sequence change replaces proline, which is neutral and non-polar, with leucine, which is neutral and non-polar, at codon 217 of the TRPM4 protein (p.Pro217Leu). This variant is present in population databases (rs750644014, gnomAD 0.003%). This variant has not been reported in the literature in individuals affected with TRPM4-related conditions. ClinVar contains an entry for this variant (Variation ID: 1061618). An algorithm developed to predict the effect of missense changes on protein structure and function outputs the following: PolyPhen-2: "Benign". The leucine amino acid residue is found in multiple mammalian species, which suggests that this missense change does not adversely affect protein function. In summary, the available evidence is currently insufficient to determine the role of this variant in disease. Therefore, it has been classified as a Variant of Uncertain Significance.

Ambry Genetics
Classification: Uncertain significance for Cardiovascular phenotype. Last evaluated: 2025-05-05. Review status: criteria provided, single submitter. Criteria: Ambry Variant Classification Scheme 2023. Collection method: clinical testing. Allele origin: germline.
Comment: The p.P217L variant (also known as c.650C>T), located in coding exon 6 of the TRPM4 gene, results from a C to T substitution at nucleotide position 650. The proline at codon 217 is replaced by leucine, an amino acid with similar properties. This amino acid position is conserved. In addition, this alteration is predicted to be tolerated by in silico analysis. Since supporting evidence is limited at this time, the clinical significance of this alteration remains unclear.

Fulgent Genetics
Classification: Uncertain significance for Progressive familial heart block type IB; Erythrokeratodermia variabilis et progressiva 6. Last evaluated: 2021-10-27. Review status: criteria provided, single submitter. Criteria: ACMG Guidelines, 2015. Collection method: clinical testing. Allele origin: unknown.

NM_017636.4(TRPM4):c.650C>T (p.Pro217Leu)

Gene: TRPM4 (transient receptor potential cation channel subfamily M member 4; plus strand). Cytogenetic location: 19q13.33.
Variant type: single nucleotide variant.
Coding change: c.650C>T on transcript NM_017636.4 (MANE Select); coding-DNA position 650, C replaced by T.
Protein change: p.Pro217Leu; replaces proline 217 with leucine.
Molecular consequence: missense variant. On other transcripts: 5 prime UTR variant (2).
Genome position (GRCh38, 1-based): chr19:49,168,590, C>T. VCF-style: chr19-49168590-C-T. GRCh37 (hg19) VCF-style: chr19-49671847-C-T.
Other names: c.650C>T, p.Pro217Leu (NM_001195227.2); c.305C>T, p.Pro102Leu (NM_001321281.2); c.-904C>T (NM_001321282.2); c.128C>T, p.Pro43Leu (NM_001321283.2); c.-200C>T (NM_001321285.2); short protein forms P102L, P217L, P43L.
Identifiers: ClinVar variation 1061618 (VCV001061618.11), dbSNP rs750644014, ClinGen allele CA9568902.